The following is an entry in ClinVar:

ClinVar aggregate classification (germline): Conflicting classifications of pathogenicity. Review status: criteria provided, conflicting classifications (1 of 4 stars). 6 submissions from 6 submitters: Pathogenic (2); Likely pathogenic (2); Uncertain significance (2). Last evaluated 2025-06-13.

Conditions:
Autosomal recessive spinocerebellar ataxia 12. Also called: SPINOCEREBELLAR ATAXIA WITH MENTAL RETARDATION AND EPILEPSY. Identifiers: Orphanet 284282, MedGen C3280452, MONDO:0013687, OMIM 614322.
Developmental and epileptic encephalopathy, 1 (DEE1). Also called: X-linked infantile spasms; West's syndrome; Tonic spasms with clustering, arrest of psychomotor development and hypsarrhythmia on EEG; X-Linked Infantile Spasm Syndrome; OHTAHARA SYNDROME, X-LINKED; INFANTILE SPASM SYNDROME, X-LINKED 1. Identifiers: MedGen C3463992, MONDO:0010632, OMIM 308350. Disease mechanism: loss of function.
Developmental and epileptic encephalopathy, 28 (DEE28). Also called: Epileptic encephalopathy, early infantile, 28. Identifiers: Orphanet 442835, MedGen C4015519, MONDO:0014533, OMIM 616211.

Allele frequency attached by ClinVar (database versions not stated): gnomAD 0.00001; gnomAD exomes 0.00001 and 0.00011; TOPMed 0.00002.
gnomAD v4.1: 164 of 1,581,570 alleles (0.01%); highest among the groups gnomAD compares: Non-Finnish European, 0.014%; no homozygotes.

Submissions (6):

GeneDx
Classification: Likely pathogenic. Last evaluated: 2025-06-13. Review status: criteria provided, single submitter. Criteria: GeneDx Variant Classification Process June 2021. Collection method: clinical testing. Allele origin: germline. Affected: yes.
Comment: In silico analysis supports that this missense variant has a deleterious effect on protein structure/function; Not observed at significant frequency in large population cohorts (gnomAD); This variant is associated with the following publications: (PMID: 30356099, 36779245, 31618474)

Labcorp Genetics (formerly Invitae), Labcorp
Classification: Uncertain significance for Developmental and epileptic encephalopathy, 1; Autosomal recessive spinocerebellar ataxia 12. Last evaluated: 2025-02-24. Review status: criteria provided, single submitter. Criteria: Invitae Variant Classification Sherloc (09022015). Collection method: clinical testing. Allele origin: germline.
Comment: This sequence change replaces glutamic acid, which is acidic and polar, with lysine, which is basic and polar, at codon 17 of the WWOX protein (p.Glu17Lys). The frequency data for this variant in the population databases is considered unreliable, as metrics indicate poor data quality at this position in the gnomAD database. This missense change has been observed in individuals with developmental and epileptic encephalopathy (PMID: 30356099, 31618474). ClinVar contains an entry for this variant (Variation ID: 1338792). An algorithm developed to predict the effect of missense changes on protein structure and function (PolyPhen-2) suggests that this variant is likely to be disruptive. In summary, the available evidence is currently insufficient to determine the role of this variant in disease. Therefore, it has been classified as a Variant of Uncertain Significance.

Victorian Clinical Genetics Services, Murdoch Childrens Research Institute
Classification: Likely pathogenic for Developmental and epileptic encephalopathy, 28. Last evaluated: 2024-10-02. Review status: criteria provided, single submitter. Criteria: ACMG Guidelines, 2015. Collection method: clinical testing. Allele origin: germline. Affected: yes.
Comment: This variant is classified as Likely pathogenic. Evidence in support of pathogenic classification: Variant is present in gnomAD <0.01 for a recessive condition (v4: 164 heterozygote(s), 0 homozygote(s)); This variant has moderate previous evidence of pathogenicity in unrelated individuals. This variant has been classified as a VUS and as pathogenic by clinical laboratories in ClinVar. It has also been reported in a compound heterozygous state in multiple individuals with WWOX-related features (ClinVar, DECIPHER, PMIDs: 30356099, 31618474); Heterozygous variant detected in trans with a second PATHOGENIC heterozygous variant in a recessive disease. Additional information: Variant is predicted to result in a missense amino acid change from glutamic acid to lysine; This variant is heterozygous; This gene is associated with autosomal recessive disease; An alternative amino acid change at the same position has been observed in gnomAD (v4: 1 heterozygote(s), 0 homozygote(s)); No published functional evidence has been identified for this variant; Another missense variant comparable to the one identified in this case has inconclusive previous evidence for pathogenicity. An alternative change, p.(Glu17Asp), has been classified as a VUS by clinical laboratories in ClinVar; Variant is not located in an established domain, motif, hotspot or informative constraint region; Missense variant with conflicting in silico predictions and uninformative conservation; Loss of function is a known mechanism of disease in this gene and is associated with developmental and epileptic encephalopathy 28 (MIM#616211), and spinocerebellar ataxia 12 (SCA) (MIM#614322).

Kids Research, The Children's Hospital at Westmead
Classification: Pathogenic for Developmental and epileptic encephalopathy, 28. Last evaluated: 2024-09-20. Review status: criteria provided, single submitter. Criteria: ACMG Guidelines, 2015. Collection method: research. Allele origin: germline. Affected: yes.
Comment: PM2, PP5_Moderate, PM3_Very Strong

Blueprint Genetics
Classification: Uncertain significance. Last evaluated: 2023-11-13. Review status: criteria provided, single submitter. Criteria: ACMG Guidelines, 2015. Collection method: clinical testing. Allele origin: germline.

Institute of Human Genetics, University of Leipzig Medical Center
Classification: Pathogenic for Developmental and epileptic encephalopathy, 28. Last evaluated: 2022-01-12. Review status: criteria provided, single submitter. Criteria: ACMG Guidelines, 2015. Collection method: clinical testing. Allele origin: maternal. Affected: yes.
Comment: This variant was identified as compound heterozygous with NM_016373.4:c.(516+1_517-1)_(605+1_606-1)del._x000D_ Criteria applied: PM3_VSTR, PM2_SUP, PP3

Literature cited by the submitters: PubMed 30356099 (cited by Labcorp Genetics (formerly Invitae), Labcorp and Victorian Clinical Genetics Services, Murdoch Childrens Research Institute); PubMed 31618474 (cited by Labcorp Genetics (formerly Invitae), Labcorp and Victorian Clinical Genetics Services, Murdoch Childrens Research Institute).

NM_016373.4(WWOX):c.49G>A (p.Glu17Lys)

Gene: WWOX (WW domain containing oxidoreductase; plus strand). Cytogenetic location: 16q23.1.
Variant type: single nucleotide variant.
Coding change: c.49G>A on transcript NM_016373.4 (MANE Select); coding-DNA position 49, G replaced by A.
Protein change: p.Glu17Lys; replaces glutamic acid 17 with lysine.
Molecular consequence: missense variant. On other transcripts: 5 prime UTR variant (1), non-coding transcript variant (2).
Genome position (GRCh38, 1-based): chr16:78,099,827, G>A. VCF-style: chr16-78099827-G-A. GRCh37 (hg19) VCF-style: chr16-78133724-G-A.
Other names: c.-226G>A (NM_001291997.2); c.49G>A, p.Glu17Lys (NM_130791.5); c.49G>A (NM_016373.2); short protein forms E17K.
Identifiers: ClinVar variation 1338792 (VCV001338792.11), dbSNP rs780345312, ClinGen allele CA8182981.